The following is an entry in ClinVar:

NM_000219.6(KCNE1):c.272A>G (p.Asp91Gly)

Gene: KCNE1 (potassium voltage-gated channel subfamily E regulatory subunit 1; minus strand). Cytogenetic location: 21q22.12.
Variant type: single nucleotide variant.
Coding change: c.272A>G on transcript NM_000219.6 (MANE Select); coding-DNA position 272, A replaced by G.
Protein change: p.Asp91Gly; replaces aspartic acid 91 with glycine.
Molecular consequence: missense variant.
Genome position (GRCh38, 1-based): chr21:34,449,363, T>C on the plus strand (A>G on the coding strand, the complement: KCNE1 is on the minus strand). VCF-style: chr21-34449363-T-C. GRCh37 (hg19) VCF-style: chr21-35821661-T-C.
Other names: c.272A>G, p.Asp91Gly (NM_001127668.4, NM_001127669.4, NM_001127670.4 and 4 more transcripts); short protein forms D91G.
Identifiers: ClinVar variation 3374497 (VCV003374497.2).

Conditions:
Long QT syndrome 5 (LQT5). Identifiers: Orphanet 101016, Orphanet 768, MedGen C1867904, MONDO:0013372, OMIM 613695.

Submission:

Roden Lab, Vanderbilt University Medical Center
No classification provided (evidence only). Condition: Long QT syndrome 5. Review status: no classification provided. Collection method: in vitro. Allele origin: not applicable. Functional consequence: Effect on ion channel function.
ClinVar note: "not provided" was previously submitted as the classification for the variant. However, the classification appeared to be based only on an observation of functional data so it was converted to no classification on 2025-07-30.